The following is an entry in ClinVar:

NM_000038.6(APC):c.5685C>A (p.Thr1895=)

Gene: APC (APC regulator of Wnt signaling pathway; plus strand). Cytogenetic location: 5q22.2.
Variant type: single nucleotide variant.
Coding change: c.5685C>A on transcript NM_000038.6 (MANE Select); coding-DNA position 5685, C replaced by A.
Protein change: p.Thr1895=; no amino-acid change (threonine 1895 retained).
Molecular consequence: synonymous variant. On other transcripts: non-coding transcript variant (2).
Genome position (GRCh38, 1-based): chr5:112,841,279, C>A. VCF-style: chr5-112841279-C-A. GRCh37 (hg19) VCF-style: chr5-112176976-C-A.
Other names: c.5382C>A, p.Thr1794= (NM_001407458.1, NM_001407459.1, NM_001407460.1 and 1 more transcripts); c.5298C>A, p.Thr1766= (NM_001407467.1, NM_001407469.1); c.4836C>A, p.Thr1612= (NM_001407470.1, NM_001354906.2); c.4533C>A, p.Thr1511= (NM_001407471.1, NM_001407472.1); c.5685C>A, p.Thr1895= (NM_001127510.3, NM_001354895.2, NM_001407450.1); c.5631C>A, p.Thr1877= (NM_001127511.3); c.5739C>A, p.Thr1913= (NM_001354896.2, NM_001407447.1, NM_001407448.1 and 1 more transcripts); c.5715C>A, p.Thr1905= (NM_001354897.2); and 11 more.
Identifiers: ClinVar variation 3253920 (VCV003253920.1), dbSNP rs148592182.
Genomic context (GRCh38, chr5:112,841,279, plus strand): 5'-CAGGGAAAAGGCTGAATTAAGAAAGGCAAAAGAAAATAAGGAATCAGAGGCTAAAGTTAC[C>A]AGCCACACAGAACTAACCTCCAACCAACAATCAGCTAATAAGACACAAGCTATTGCAAAG-3'
Protein context (NP_000029.2, residues 1885-1905): KENKESEAKV[Thr1895=]SHTELTSNQQ

ClinVar aggregate classification (germline): Benign (1 of 4 stars; one submission).

Conditions:
Familial adenomatous polyposis 1 (FAP1). Also called: POLYPOSIS, ADENOMATOUS INTESTINAL; FAMILIAL ADENOMATOUS POLYPOSIS 1, ATTENUATED. Identifiers: MedGen C2713442, MONDO:0021056, OMIM 175100. Disease mechanism: loss of function.

Submission:

Myriad Genetics, Inc.
Classification: Benign for Familial adenomatous polyposis 1. Last evaluated: 2024-04-02. Review status: criteria provided, single submitter. Criteria: Myriad Autosomal Dominant, Autosomal Recessive and X-Linked Classification Criteria (2023). Collection method: clinical testing. Allele origin: unknown.
Comment: This variant is considered benign. This variant is a silent/synonymous amino acid change and it is not expected to impact splicing.